The following is an entry in ClinVar:

NM_024426.6(WT1):c.1180C>T (p.Arg394Cys)

Gene: WT1 (WT1 transcription factor; minus strand). Cytogenetic location: 11p13.
Variant type: single nucleotide variant.
Coding change: c.1180C>T on transcript NM_024426.6 (MANE Select); coding-DNA position 1180, C replaced by T.
Protein change: p.Arg394Cys; replaces arginine 394 with cysteine.
Molecular consequence: missense variant. On other transcripts: 5 prime UTR variant (1), non-coding transcript variant (1).
Genome position (GRCh38, 1-based): chr11:32,396,341, G>A on the plus strand (C>T on the coding strand, the complement: WT1 is on the minus strand). VCF-style: chr11-32396341-G-A. GRCh37 (hg19) VCF-style: chr11-32417887-G-A.
Other names: c.478C>T, p.Arg160Cys (NM_001198552.2); c.-9C>T (NM_001367854.1); c.1174C>T, p.Arg392Cys (NM_001407044.1); c.1129C>T, p.Arg377Cys (NM_001407045.1, NM_001407048.1, NM_001407049.1 and 1 more transcripts); c.1180C>T, p.Arg394Cys (NM_001407046.1, NM_024424.5); c.1057C>T, p.Arg353Cys (NM_001407047.1); c.1006C>T, p.Arg336Cys (NM_001407050.1); c.418C>T, p.Arg140Cys (NM_001407051.1); and 2 more; short protein forms R177C, R394C, R377C, R160C, R336C, R353C, R140C, R372C.
Identifiers: ClinVar variation 599126 (VCV000599126.15), dbSNP rs1564972874, ClinGen allele CA379959954.

ClinVar aggregate classification (germline): Uncertain significance. Review status: criteria provided, multiple submitters, no conflicts (2 of 4 stars). 6 submissions from 6 submitters: Uncertain significance (5). 1 of the submissions does not count toward it. Last evaluated 2025-01-25.

Conditions:
Nephrotic syndrome, type 4 (NPHS4). Also called: Familial mesangial sclerosis; Nephrotic syndrome, early onset with diffuse mesangial sclerosis. Identifiers: Orphanet 656, MedGen C3151568, MONDO:0009733, OMIM 256370.
Inborn genetic diseases. Identifiers: MedGen C0950123, MeSH D030342.
Frasier syndrome. Identifiers: Orphanet 347, MedGen C0950122, MeSH D052159, MONDO:0007635, OMIM 136680.
Wilms tumor 1 (WT1). Also called: Wilms tumor, somatic. Identifiers: Orphanet 654, MedGen CN033288, MONDO:0008679, OMIM 194070.
11p partial monosomy syndrome (WAGR). Also called: CHROMOSOME 11p13 DELETION SYNDROME; WAGR Spectrum Disorder; WAGR syndrome; WAGR Complex. Identifiers: Orphanet 893, MedGen C0206115, MONDO:0008681, OMIM 194072.
Drash syndrome (DDS). Also called: NEPHROPATHY, WILMS TUMOR, AND GENITAL ANOMALIES; WILMS TUMOR AND PSEUDO- OR TRUE HERMAPHRODITISM. Identifiers: Orphanet 220, MedGen C0950121, MONDO:0008682, OMIM 194080.
Proteinuria. Identifiers: MedGen C0033687, MONDO:0003634, HP:0000093.
Focal segmental glomerulosclerosis (FSGS). Also called: Glomerulosclerosis, focal; Focal sclerosis with hyalinosis. Identifiers: MedGen C0017668, MONDO:0100313, HP:0000097. Disease mechanism: loss of function.

Allele frequency attached by ClinVar (database versions not stated): gnomAD exomes below 0.00001.
gnomAD v4.1: 5 of 1,614,142 alleles (0.00031%); highest among the groups gnomAD compares: Admixed American, 0.0017%; no homozygotes.

Submissions (6):

Ambry Genetics
Classification: Uncertain significance for Inborn genetic diseases. Last evaluated: 2025-01-25. Review status: criteria provided, single submitter. Criteria: Ambry Variant Classification Scheme 2023. Collection method: clinical testing. Allele origin: germline.
Comment: The p.R389C variant (also known as c.1165C>T), located in coding exon 7 of the WT1 gene, results from a C to T substitution at nucleotide position 1165. The arginine at codon 389 is replaced by cysteine, an amino acid with highly dissimilar properties. This amino acid position is highly conserved in available vertebrate species. In addition, this alteration is predicted to be deleterious by in silico analysis. Based on the available evidence, the clinical significance of this variant remains unclear.

Molecular Genetics McLendon Clinical Laboratories, University of North Carolina at Chapel Hill
Classification: Uncertain significance for Proteinuria. Last evaluated: 2024-08-12. Review status: criteria provided, single submitter. Criteria: ACMG Guidelines, 2015. Collection method: clinical testing. Allele origin: germline.

Labcorp Genetics (formerly Invitae), Labcorp
Classification: Uncertain significance for Wilms tumor 1; Drash syndrome; 11p partial monosomy syndrome; Frasier syndrome. Last evaluated: 2021-04-03. Review status: criteria provided, single submitter. Criteria: Invitae Variant Classification Sherloc (09022015). Collection method: clinical testing. Allele origin: germline.
Comment: In summary, the available evidence is currently insufficient to determine the role of this variant in disease. Therefore, it has been classified as a Variant of Uncertain Significance. Algorithms developed to predict the effect of missense changes on protein structure and function (SIFT, PolyPhen-2, Align-GVGD) all suggest that this variant is likely to be disruptive, but these predictions have not been confirmed by published functional studies and their clinical significance is uncertain. This variant has not been reported in the literature in individuals with WT1-related conditions. ClinVar contains an entry for this variant (Variation ID: 599126). This variant is not present in population databases (ExAC no frequency). This sequence change replaces arginine with cysteine at codon 389 of the WT1 protein (p.Arg389Cys). The arginine residue is highly conserved and there is a large physicochemical difference between arginine and cysteine.

Genome Diagnostics Laboratory, The Hospital for Sick Children
Classification: Uncertain significance for Focal segmental glomerulosclerosis. Last evaluated: 2019-12-01. Review status: criteria provided, single submitter. Criteria: ACMG Guidelines, 2015. Collection method: clinical testing. Allele origin: germline.

Institute of Human Genetics, University of Leipzig Medical Center
Classification: Uncertain significance for Nephrotic syndrome, type 4. Last evaluated: 2018-08-13. Review status: criteria provided, single submitter. Criteria: ACMG Guidelines, 2015. Collection method: clinical testing. Allele origin: germline. Affected: yes. Observed: 1 variant allele.

Bioscientia Institut fuer Medizinische Diagnostik GmbH, Sonic Healthcare
Classification: Uncertain significance for Nephrotic syndrome, type 4. Last evaluated: 2018-05-17. Review status: no assertion criteria provided. Collection method: clinical testing. Allele origin: germline. Affected: yes. Not counted in ClinVar's aggregate classification.

Literature cited by the submitters: PubMed 31027891 (cited by Molecular Genetics McLendon Clinical Laboratories, University of North Carolina at Chapel Hill).